The following is an entry in ClinVar:

ClinVar aggregate classification (germline): Uncertain significance (1 of 4 stars; one submission).

Allele frequency attached by ClinVar (database versions not stated): TOPMed below 0.00001; gnomAD 0.00001.
gnomAD v4.1: 2 of 1,612,624 alleles (0.00012%); highest among the groups gnomAD compares: African/African-American, 0.0013%; no homozygotes.

Submission:

Ambry Genetics
Classification: Uncertain significance. Last evaluated: 2023-12-29. Review status: criteria provided, single submitter. Criteria: Ambry Variant Classification Scheme 2023. Collection method: clinical testing. Allele origin: germline.
Comment: The p.I34V variant (also known as c.100A>G), located in coding exon 1 of the ALPK2 gene, results from an A to G substitution at nucleotide position 100. The isoleucine at codon 34 is replaced by valine, an amino acid with highly similar properties. This amino acid position is conserved. In addition, this alteration is predicted to be tolerated by in silico analysis. Since supporting evidence is limited at this time, the clinical significance of this alteration remains unclear.

NM_052947.4(ALPK2):c.100A>G (p.Ile34Val)

Gene: ALPK2 (alpha kinase 2; minus strand). Cytogenetic location: 18q21.32.
Variant type: single nucleotide variant.
Coding change: c.100A>G on transcript NM_052947.4 (MANE Select); coding-DNA position 100, A replaced by G.
Protein change: p.Ile34Val; replaces isoleucine 34 with valine.
Molecular consequence: missense variant.
Genome position (GRCh38, 1-based): chr18:58,611,698, T>C on the plus strand (A>G on the coding strand, the complement: ALPK2 is on the minus strand). VCF-style: chr18-58611698-T-C. GRCh37 (hg19) VCF-style: chr18-56278930-T-C.
Other names: short protein forms I34V.
Identifiers: ClinVar variation 3228547 (VCV003228547.1), dbSNP rs2052132221, ClinGen allele CA402557844.